The following is an entry in ClinVar:

NM_138959.3(VANGL1):c.*2336A>G

Gene: VANGL1 (VANGL planar cell polarity protein 1; plus strand). Cytogenetic location: 1p13.1.
Variant type: single nucleotide variant.
Coding change: c.*2336A>G on transcript NM_138959.3 (MANE Select); 2336 bases downstream of the stop codon, A replaced by G.
Molecular consequence: 3 prime UTR variant.
Genome position (GRCh38, 1-based): chr1:115,693,715, A>G. VCF-style: chr1-115693715-A-G. GRCh37 (hg19) VCF-style: chr1-116236336-A-G.
Other names: c.*2336A>G (NM_001172411.2, NM_001172412.2).
Identifiers: ClinVar variation 292051 (VCV000292051.5), dbSNP rs148944333, ClinGen allele CA10607675.

ClinVar aggregate classification (germline): Conflicting classifications of pathogenicity. Review status: criteria provided, conflicting classifications (1 of 4 stars). 2 submissions from 1 submitter: Uncertain significance (1); Likely benign (1). Last evaluated 2018-01-13.

Conditions:
Sacral defect with anterior meningocele. Identifiers: MedGen C1838568, OMIM 600145.
Neural tube defect (NTD). Also called: Neural tube defects. Identifiers: Orphanet 3388, Orphanet 823, MedGen C0027794, MONDO:0018075, HP:0045005.

Allele frequency attached by ClinVar (database versions not stated): 1000 Genomes Project 0.00100; 1000 Genomes Project 30x 0.00109; TOPMed 0.00195; gnomAD 0.00352 and 0.00362.

Submissions (2):

Illumina Laboratory Services, Illumina
Classification: Uncertain significance for Neural tube defects, susceptibility to. Last evaluated: 2018-01-13. Review status: criteria provided, single submitter. Criteria: ICSL Variant Classification Criteria 13 December 2019. Collection method: clinical testing. Allele origin: germline.

Illumina Laboratory Services, Illumina
Classification: Likely benign for Sacral defect with anterior meningocele. Last evaluated: 2018-01-13. Review status: criteria provided, single submitter. Criteria: ICSL Variant Classification Criteria 13 December 2019. Collection method: clinical testing. Allele origin: germline.
Comment: This variant was observed in the ICSL laboratory as part of a predisposition screen in an ostensibly healthy population. It had not been previously curated by ICSL or reported in the Human Gene Mutation Database (HGMD: prior to June 1st, 2018), and was therefore a candidate for classification through an automated scoring system. Utilizing variant allele frequency, disease prevalence and penetrance estimates, and inheritance mode, an automated score was calculated to assess if this variant is too frequent to cause the disease. Based on the score and internal cut-off values, a variant classified as likely benign is not then subjected to further curation. The score for this variant resulted in a classification of likely benign for this disease.